The following is an entry in ClinVar:

ClinVar aggregate classification (germline): Uncertain significance. Review status: criteria provided, multiple submitters, no conflicts (2 of 4 stars). 2 submissions from 2 submitters: Uncertain significance (2). Last evaluated 2024-09-05.

Conditions:
LAMA2-related muscular dystrophy (LAMA2-RD). Also called: Laminin alpha 2-related dystrophy. Identifiers: MedGen C5679788, MONDO:0100228.

Submissions (2):

Labcorp Genetics (formerly Invitae), Labcorp
Classification: Uncertain significance for LAMA2-related muscular dystrophy. Last evaluated: 2024-09-05. Review status: criteria provided, single submitter. Criteria: Invitae Variant Classification Sherloc (09022015). Collection method: clinical testing. Allele origin: germline.
Comment: This sequence change replaces leucine, which is neutral and non-polar, with serine, which is neutral and polar, at codon 3020 of the LAMA2 protein (p.Leu3020Ser). This variant is not present in population databases (gnomAD no frequency). This variant has not been reported in the literature in individuals affected with LAMA2-related conditions. ClinVar contains an entry for this variant (Variation ID: 1983219). Invitae Evidence Modeling of protein sequence and biophysical properties (such as structural, functional, and spatial information, amino acid conservation, physicochemical variation, residue mobility, and thermodynamic stability) indicates that this missense variant is not expected to disrupt LAMA2 protein function with a negative predictive value of 95%. In summary, the available evidence is currently insufficient to determine the role of this variant in disease. Therefore, it has been classified as a Variant of Uncertain Significance.

Blueprint Genetics
Classification: Uncertain significance. Last evaluated: 2023-04-27. Review status: criteria provided, single submitter. Criteria: ACMG Guidelines, 2015. Collection method: clinical testing. Allele origin: germline.

NM_000426.4(LAMA2):c.9059T>C (p.Leu3020Ser)

Gene: LAMA2 (laminin subunit alpha 2; plus strand). Cytogenetic location: 6q22.33.
Variant type: single nucleotide variant.
Coding change: c.9059T>C on transcript NM_000426.4 (MANE Select); coding-DNA position 9059, T replaced by C.
Protein change: p.Leu3020Ser; replaces leucine 3020 with serine.
Molecular consequence: missense variant.
Genome position (GRCh38, 1-based): chr6:129,514,443, T>C. VCF-style: chr6-129514443-T-C. GRCh37 (hg19) VCF-style: chr6-129835588-T-C.
Other names: c.9047T>C, p.Leu3016Ser (NM_001079823.2); short protein forms L3016S, L3020S.
Identifiers: ClinVar variation 1983219 (VCV001983219.4), dbSNP rs1786863971, ClinGen allele CA365636835.
Genomic context (GRCh38, chr6:129,514,443, plus strand): 5'-ATGTGGACAATGGTGCGGGCAGATTCACTGCTGTCTATGATGCTGGGGTTCCAGGGCATT[T>C]GTGTGATGGACAATGGCATAAAGTCACTGCCAACAAGATCAAACACCGCATTGAGCTCAC-3'
Protein context (NP_000417.3, residues 3010-3030): AVYDAGVPGH[Leu3020Ser]CDGQWHKVTA